The following is an entry in ClinVar:

NM_001199165.4(CEP112):c.1446C>A (p.Thr482=)

Gene: CEP112 (centrosomal protein 112; minus strand). Cytogenetic location: 17q24.1.
Variant type: single nucleotide variant.
Coding change: c.1446C>A on transcript NM_001199165.4 (MANE Select); coding-DNA position 1446, C replaced by A.
Protein change: p.Thr482=; no amino-acid change (threonine 482 retained).
Molecular consequence: synonymous variant.
Genome position (GRCh38, 1-based): chr17:66,029,180, G>T on the plus strand (C>A on the coding strand, the complement: CEP112 is on the minus strand). VCF-style: chr17-66029180-G-T. GRCh37 (hg19) VCF-style: chr17-64025298-G-T.
Other names: c.1320C>A, p.Thr440= (NM_001302891.3, NM_001353128.2); c.1446C>A, p.Thr482= (NM_001353127.2); c.1449C>A, p.Thr483= (NM_001353129.2).
Identifiers: ClinVar variation 2648111 (VCV002648111.24), dbSNP rs149063261, ClinGen allele CA8719700.

ClinVar aggregate classification (germline): Likely benign (1 of 4 stars; one submission).

Allele frequency attached by ClinVar (database versions not stated): 1000 Genomes Project 30x 0.00047; ExAC 0.00050; 1000 Genomes Project 0.00060; ESP Exome Variant Server 0.00069; gnomAD 0.00080; TOPMed 0.00083; gnomAD exomes 0.00146.
gnomAD v4.1: 2,238 of 1,609,280 alleles (0.14%); highest among the groups gnomAD compares: Non-Finnish European, 0.18%; 2 homozygotes.

Submission:

CeGaT Center for Human Genetics Tuebingen
Classification: Likely benign. Last evaluated: 2022-04-01. Review status: criteria provided, single submitter. Criteria: CeGaT Center For Human Genetics Tuebingen Variant Classification Criteria Version 2. Collection method: clinical testing. Allele origin: germline. Affected: yes. Observed: 1 variant allele.
Comment: CEP112: BP4, BP7